The following is an entry in ClinVar:

NM_020778.5(ALPK3):c.2803G>A (p.Ala935Thr)

Gene: ALPK3 (alpha kinase 3; plus strand). Cytogenetic location: 15q25.3.
Variant type: single nucleotide variant.
Coding change: c.2803G>A on transcript NM_020778.5 (MANE Select); coding-DNA position 2803, G replaced by A.
Protein change: p.Ala935Thr; replaces alanine 935 with threonine.
Molecular consequence: missense variant.
Genome position (GRCh38, 1-based): chr15:84,857,541, G>A. VCF-style: chr15-84857541-G-A. GRCh37 (hg19) VCF-style: chr15-85400772-G-A.
Other names: short protein forms A935T.
Identifiers: ClinVar variation 4871223 (VCV004871223.1).

ClinVar aggregate classification (germline): Uncertain significance (1 of 4 stars; one submission).

Conditions:
Cardiovascular phenotype. Identifiers: MedGen CN230736.

gnomAD v4.1: 1 of 1,587,570 alleles (0.000063%); highest among the groups gnomAD compares: East Asian, 0.0022%; no homozygotes.

Submission:

Ambry Genetics
Classification: Uncertain significance for Cardiovascular phenotype. Last evaluated: 2026-04-09. Review status: criteria provided, single submitter. Criteria: Ambry Variant Classification Scheme 2023. Collection method: clinical testing. Allele origin: germline.
Comment: The p.A1137T variant (also known as c.3409G>A), located in coding exon 6 of the ALPK3 gene, results from a G to A substitution at nucleotide position 3409. The alanine at codon 1137 is replaced by threonine, an amino acid with similar properties. This amino acid position is conserved. In addition, this alteration is predicted to be tolerated by in silico analysis. Based on the available evidence, the clinical significance of this variant remains unclear.